The following is an entry in ClinVar:

ClinVar aggregate classification (germline): Uncertain significance (1 of 4 stars; one submission).

Allele frequency attached by ClinVar (database versions not stated): gnomAD exomes 0.00002 and 0.00003; ExAC 0.00007.
gnomAD v4.1: 14 of 1,611,554 alleles (0.00087%); highest among the groups gnomAD compares: East Asian, 0.0022%; no homozygotes.

Submission:

Center for Genomics, Ann and Robert H. Lurie Children's Hospital of Chicago
Classification: Uncertain significance. Last evaluated: 2021-03-30. Review status: criteria provided, single submitter. Criteria: ACMG Guidelines, 2015. Collection method: clinical testing. Allele origin: germline.
Comment: FASN NM_004104.4 exon 11 p.His580= (c.1740C>T): This variant has not been reported in the literature but is present in 0.006% (7/108920) of European alleles in the Genome Aggregation Database. Evolutionary conservation and computational predictive tools for this variant are limited or unavailable. Of note, this variant is a silent variant and does not change the amino acid, reducing the probability that this variant is disease causing. In summary, data on this variant is insufficient for disease classification. Therefore, the clinical significance of this variant is uncertain.

NM_004104.5(FASN):c.1740C>T (p.His580=)

Gene: FASN (fatty acid synthase; minus strand). Cytogenetic location: 17q25.3.
Variant type: single nucleotide variant.
Coding change: c.1740C>T on transcript NM_004104.5 (MANE Select); coding-DNA position 1740, C replaced by T.
Protein change: p.His580=; no amino-acid change (histidine 580 retained).
Molecular consequence: synonymous variant.
Genome position (GRCh38, 1-based): chr17:82,090,505, G>A on the plus strand (C>T on the coding strand, the complement: FASN is on the minus strand). VCF-style: chr17-82090505-G-A. GRCh37 (hg19) VCF-style: chr17-80048381-G-A.
Identifiers: ClinVar variation 1675075 (VCV001675075.2), dbSNP rs746029897, ClinGen allele CA8853038.